The following is an entry in ClinVar:

NM_001723.7(DST):c.6415A>G (p.Ile2139Val)

Gene: DST (dystonin; minus strand). Cytogenetic location: 6p12.1.
Variant type: single nucleotide variant.
Coding change: c.6415A>G on transcript NM_001723.7 (MANE Plus Clinical); coding-DNA position 6415, A replaced by G.
Protein change: p.Ile2139Val; replaces isoleucine 2139 with valine.
Molecular consequence: missense variant. On other transcripts: intron variant (10).
Genome position (GRCh38, 1-based): chr6:56,617,052, T>C on the plus strand (A>G on the coding strand, the complement: DST is on the minus strand). VCF-style: chr6-56617052-T-C. GRCh37 (hg19) VCF-style: chr6-56481850-T-C.
Other names: c.4831-2568A>G (NM_001144769.5); c.4930-2568A>G (NM_001374722.1, NM_001374736.1); c.4957-2568A>G (NM_001374734.1); c.4417-2568A>G (NM_001144770.2); c.4297-2568A>G (NM_001374730.1, NM_001386100.1, NM_183380.4 and 1 more transcripts); c.3319-2568A>G (NM_015548.5); short protein forms I2139V.
Identifiers: ClinVar variation 576576 (VCV000576576.37), dbSNP rs374067079, ClinGen allele CA3870171.

ClinVar aggregate classification (germline): Uncertain significance. Review status: criteria provided, multiple submitters, no conflicts (2 of 4 stars). 2 submissions from 2 submitters: Uncertain significance (2). Last evaluated 2022-08-01.

Conditions:
Hereditary sensory and autonomic neuropathy type 6. Also called: HSAN VI; Neuropathy, hereditary sensory and autonomic, type VI. Identifiers: Orphanet 314381, MedGen C3539003, MONDO:0013839, OMIM 614653.
Epidermolysis bullosa simplex 3, localized or generalized intermediate, with BP230 deficiency (EBS3). Also called: Epidermolysis bullosa simplex, autosomal recessive 2; Epidermolysis bullosa simplex due to BP230 deficiency. Identifiers: Orphanet 412181, MedGen C3809470, MONDO:0014180, OMIM 615425.

Allele frequency attached by ClinVar (database versions not stated): gnomAD exomes below 0.00001 and 0.00001; ExAC 0.00002; TOPMed 0.00002; gnomAD 0.00004; ESP Exome Variant Server 0.00008.
gnomAD v4.1: 12 of 1,613,974 alleles (0.00074%); highest among the groups gnomAD compares: African/African-American, 0.0053%; no homozygotes.

Submissions (2):

CeGaT Center for Human Genetics Tuebingen
Classification: Uncertain significance. Last evaluated: 2022-08-01. Review status: criteria provided, single submitter. Criteria: CeGaT Center For Human Genetics Tuebingen Variant Classification Criteria Version 2. Collection method: clinical testing. Allele origin: germline. Affected: yes. Observed: 1 variant allele.
Comment: DST: PM2:Supporting, BP4

Labcorp Genetics (formerly Invitae), Labcorp
Classification: Uncertain significance for Epidermolysis bullosa simplex 3, localized or generalized intermediate, with BP230 deficiency; Hereditary sensory and autonomic neuropathy type 6. Last evaluated: 2021-08-31. Review status: criteria provided, single submitter. Criteria: Invitae Variant Classification Sherloc (09022015). Collection method: clinical testing. Allele origin: germline.
Comment: This sequence change replaces isoleucine with valine at codon 2139 of the DST protein (p.Ile2139Val). The isoleucine residue is weakly conserved and there is a small physicochemical difference between isoleucine and valine. This variant is present in population databases (rs374067079, ExAC 0.003%). This variant has not been reported in the literature in individuals affected with DST-related conditions. Algorithms developed to predict the effect of missense changes on protein structure and function (SIFT, PolyPhen-2, Align-GVGD) all suggest that this variant is likely to be tolerated. In summary, the available evidence is currently insufficient to determine the role of this variant in disease. Therefore, it has been classified as a Variant of Uncertain Significance.